The following is an entry in ClinVar:

NM_001367868.2(PLIN4):c.2469C>T (p.Thr823=)

Gene: PLIN4 (perilipin 4; minus strand). Cytogenetic location: 19p13.3.
Variant type: single nucleotide variant.
Coding change: c.2469C>T on transcript NM_001367868.2 (MANE Select); coding-DNA position 2469, C replaced by T.
Protein change: p.Thr823=; no amino-acid change (threonine 823 retained).
Molecular consequence: synonymous variant.
Genome position (GRCh38, 1-based): chr19:4,511,491, G>A on the plus strand (C>T on the coding strand, the complement: PLIN4 is on the minus strand). VCF-style: chr19-4511491-G-A. GRCh37 (hg19) VCF-style: chr19-4511503-G-A.
Other names: c.2472C>T, p.Thr824= (NM_001393888.1, NM_001393889.1); c.2469C>T, p.Thr823= (NM_001393890.1, NM_001393891.1).
Identifiers: ClinVar variation 4084356 (VCV004084356.8).

ClinVar aggregate classification (germline): Likely benign (1 of 4 stars; one submission).

Submission:

CeGaT Center for Human Genetics Tuebingen
Classification: Likely benign. Last evaluated: 2025-07-01. Review status: criteria provided, single submitter. Criteria: CeGaT Center For Human Genetics Tuebingen Variant Classification Criteria Version 2. Collection method: clinical testing. Allele origin: germline. Affected: yes. Observed: 1 variant allele.
Comment: PLIN4: BP4, BP7